The following is an entry in ClinVar:

ClinVar aggregate classification (germline): Pathogenic. Review status: criteria provided, multiple submitters, no conflicts (2 of 4 stars). 3 submissions from 3 submitters: Pathogenic (2). 1 of the submissions does not count toward it. Last evaluated 2024-05-21.

Conditions:
Hereditary cancer-predisposing syndrome. Also called: Neoplastic Syndromes, Hereditary; Hereditary Cancer Syndrome; Tumor predisposition; Hereditary neoplastic syndrome. Identifiers: Orphanet 140162, MedGen C0027672, MeSH D009386, MONDO:0015356.
Gastric cancer. Also called: Stomach cancer; Malignant tumor of stomach. Identifiers: MedGen C0024623, MeSH D013274, MONDO:0001056, OMIM 613659, HP:0012126.
Ataxia-telangiectasia syndrome (AT). Also called: LOUIS-BAR SYNDROME; Cerebello-oculocutaneous telangiectasia; Immunodeficiency with ataxia telangiectasia; Ataxia-telangiectasia, complementation group D; AT, COMPLEMENTATION GROUP C; Ataxia-telangiectasia, complementation group E. Identifiers: Orphanet 100, MedGen C0004135, MONDO:0008840, OMIM 208900.

Submissions (3):

Labcorp Genetics (formerly Invitae), Labcorp
Classification: Pathogenic for Ataxia-telangiectasia syndrome. Last evaluated: 2024-05-21. Review status: criteria provided, single submitter. Criteria: Invitae Variant Classification Sherloc (09022015). Collection method: clinical testing. Allele origin: germline.
Comment: This sequence change creates a premature translational stop signal (p.Glu2304Serfs*6) in the ATM gene. It is expected to result in an absent or disrupted protein product. Loss-of-function variants in ATM are known to be pathogenic (PMID: 23807571, 25614872). This variant is not present in population databases (gnomAD no frequency). This premature translational stop signal has been observed in individual(s) with ataxia telangiectasia and/or breast cancer (PMID: 19535770, 32068069). ClinVar contains an entry for this variant (Variation ID: 453648). For these reasons, this variant has been classified as Pathogenic.

Ambry Genetics
Classification: Pathogenic for Hereditary cancer-predisposing syndrome. Last evaluated: 2023-02-23. Review status: criteria provided, single submitter. Criteria: Ambry Variant Classification Scheme 2023. Collection method: clinical testing. Allele origin: germline.
Comment: The c.6910delG pathogenic mutation, located in coding exon 46 of the ATM gene, results from a deletion of one nucleotide at nucleotide position 6910, causing a translational frameshift with a predicted alternate stop codon (p.E2304Sfs*6). This alteration was observed in 1 of 1338 Chinese high-risk breast cancer patients and 1 of 2160 Chinese colorectal cancer patients (Kwong A et al. J Mol Diagn, 2020 Apr;22:544-554; Liao H et al. Am J Cancer Res, 2021 Nov;11:5571-558). This variant is considered to be rare based on population cohorts in the Genome Aggregation Database (gnomAD). In addition to the clinical data presented in the literature, this alteration is expected to result in loss of function by premature protein truncation or nonsense-mediated mRNA decay. As such, this alteration is interpreted as a disease-causing mutation.

Laboratory for Genotyping Development, RIKEN
Classification: Pathogenic for Gastric cancer. Last evaluated: 2021-07-01. Review status: no assertion criteria provided. Collection method: research. Allele origin: germline. Not counted in ClinVar's aggregate classification.

Literature cited by the submitters: PubMed 23807571 (cited by Labcorp Genetics (formerly Invitae), Labcorp); PubMed 25614872 (cited by Labcorp Genetics (formerly Invitae), Labcorp); PubMed 19535770 (cited by Labcorp Genetics (formerly Invitae), Labcorp); PubMed 32068069 (cited by Labcorp Genetics (formerly Invitae), Labcorp and Ambry Genetics); PubMed 34873480 (cited by Ambry Genetics); PubMed 36988593 (cited by Laboratory for Genotyping Development, RIKEN).

NM_000051.4(ATM):c.6910del (p.Glu2304fs)

Genes: ATM (ATM serine/threonine kinase; plus strand), C11orf65 (chromosome 11 open reading frame 65; minus strand). Cytogenetic location: 11q22.3.
Variant type: Deletion.
Coding change: c.6910del on transcript NM_000051.4 (MANE Select); coding-DNA position 6910, one base deleted (G; older notation c.6910delG).
Protein change: p.Glu2304fs; shifts the reading frame from glutamic acid 2304.
Molecular consequence: frameshift variant. On other transcripts: intron variant (2).
Genome position (GRCh38, 1-based): chr11:108,326,160, G deleted; the last of 2 consecutive G bases (chr11:108,326,159-108,326,160); deleting either gives the same sequence. VCF-style (leftmost placement, unchanged base first): chr11-108326158-AG-A. GRCh37 (hg19) VCF-style: chr11-108196885-AG-A.
Other names: c.6910del, p.Glu2304fs (NM_001351834.2); c.641-17088del (NM_001330368.2); c.*38+9061del (NM_001351110.2); short protein forms E2304fs.
Identifiers: ClinVar variation 453648 (VCV000453648.25), dbSNP rs1555119940, ClinGen allele CA658656278.
Genomic context (GRCh38, chr11:108,326,158, plus strand): 5'-CAGTTAGCTGTGGAGTCTCTGAGTGGCAGCTGGAAGAAGCACAAGTATTCTGGGCAAAAA[AG>A]GAGCAGAGTCTTGCCCTGAGTATTCTCAAGCAAATGATCAAGAAGTTGGATGCCAGCTGT-3'